The following is an entry in ClinVar:

NM_014845.6(FIG4):c.2663A>G (p.Gln888Arg)

Gene: FIG4 (FIG4 phosphoinositide 5-phosphatase; plus strand). Cytogenetic location: 6q21.
Variant type: single nucleotide variant.
Coding change: c.2663A>G on transcript NM_014845.6 (MANE Select); coding-DNA position 2663, A replaced by G.
Protein change: p.Gln888Arg; replaces glutamine 888 with arginine.
Molecular consequence: missense variant.
Genome position (GRCh38, 1-based): chr6:109,825,204, A>G. VCF-style: chr6-109825204-A-G. GRCh37 (hg19) VCF-style: chr6-110146407-A-G.
Other names: short protein forms Q888R.
Identifiers: ClinVar variation 3349297 (VCV003349297.2).

ClinVar aggregate classification (germline): Uncertain significance. Review status: criteria provided, single submitter (1 of 4 stars). 2 submissions from 2 submitters: Uncertain significance (1). 1 of the submissions does not count toward it. Last evaluated 2024-10-20.

Conditions:
FIG4-related disorder. Also called: FIG4-related condition; FIG4-related disorders.
Inborn genetic diseases. Identifiers: MedGen C0950123, MeSH D030342.

gnomAD v4.1: 1 of 1,614,018 alleles (0.000062%); highest among the groups gnomAD compares: Non-Finnish European, 0.000085%; no homozygotes.

Submissions (2):

Ambry Genetics
Classification: Uncertain significance for Inborn genetic diseases. Last evaluated: 2024-10-20. Review status: criteria provided, single submitter. Criteria: Ambry Variant Classification Scheme 2023. Collection method: clinical testing. Allele origin: germline.

PreventionGenetics, part of Exact Sciences
Classification: Uncertain significance for FIG4-related condition. Last evaluated: 2024-03-08. Review status: no assertion criteria provided. Collection method: clinical testing. Allele origin: germline. Not counted in ClinVar's aggregate classification.
Comment: The FIG4 c.2663A>G variant is predicted to result in the amino acid substitution p.Gln888Arg. To our knowledge, this variant has not been reported in the literature or in a large population database, indicating this variant is rare. At this time, the clinical significance of this variant is uncertain due to the absence of conclusive functional and genetic evidence.